The following is an entry in ClinVar:

ClinVar aggregate classification (germline): Uncertain significance (1 of 4 stars; one submission).

Allele frequency attached by ClinVar (database versions not stated): gnomAD exomes below 0.00001; gnomAD 0.00001; TOPMed 0.00001.
gnomAD v4.1: 3 of 1,441,712 alleles (0.00021%); highest among the groups gnomAD compares: Admixed American, 0.0027%; no homozygotes.

Submission:

Women's Health and Genetics/Laboratory Corporation of America, LabCorp
Classification: Uncertain significance. Last evaluated: 2024-04-23. Review status: criteria provided, single submitter. Criteria: LabCorp Variant Classification Summary - May 2015. Collection method: clinical testing. Allele origin: germline.
Comment: Variant summary: DLL3 c.517T>C (p.Ser173Pro) results in a non-conservative amino acid change located in the Notch ligand, N-terminal domain (IPR011651) of the encoded protein sequence. Four of five in-silico tools predict a damaging effect of the variant on protein function. The variant was absent in 63020 control chromosomes. The available data on variant occurrences in the general population are insufficient to allow any conclusion about variant significance. c.517T>C has been reported in the literature in one individual affected with Spondylocostal Dysostosis 1 (example: Linnenkamp_2022). These data do not allow any conclusion about variant significance. To our knowledge, no experimental evidence demonstrating an impact on protein function has been reported. The following publication has been ascertained in the context of this evaluation (PMID: 35137400). No submitters have cited clinical-significance assessments for this variant to ClinVar. Based on the evidence outlined above, the variant was classified as uncertain significance.

Literature cited by the submitters: PubMed 35137400.

NM_203486.3(DLL3):c.517T>C (p.Ser173Pro)

Genes: DLL3 (delta like canonical Notch ligand 3; plus strand), LOC130064417 (ATAC-STARR-seq lymphoblastoid silent region 10608; plus strand). Cytogenetic location: 19q13.2.
Variant type: single nucleotide variant.
Coding change: c.517T>C on transcript NM_203486.3 (MANE Select); coding-DNA position 517, T replaced by C.
Protein change: p.Ser173Pro; replaces serine 173 with proline.
Molecular consequence: missense variant.
Genome position (GRCh38, 1-based): chr19:39,502,922, T>C. VCF-style: chr19-39502922-T-C. GRCh37 (hg19) VCF-style: chr19-39993562-T-C.
Other names: c.517T>C, p.Ser173Pro (NM_016941.4); short protein forms S173P.
Identifiers: ClinVar variation 3251782 (VCV003251782.1), dbSNP rs962122621.